The following is an entry in ClinVar:

NM_152384.3(BBS5):c.198del (p.Val67fs)

Gene: BBS5 (Bardet-Biedl syndrome 5; plus strand). Cytogenetic location: 2q31.1.
Variant type: Deletion.
Coding change: c.198del on transcript NM_152384.3 (MANE Select); coding-DNA position 198, one base deleted (A; older notation c.198delA).
Protein change: p.Val67fs; shifts the reading frame from valine 67.
Molecular consequence: frameshift variant.
Genome position (GRCh38, 1-based): chr2:169,487,124, A deleted. VCF-style (leftmost placement, unchanged base first): chr2-169487123-GA-G. GRCh37 (hg19) VCF-style: chr2-170343633-GA-G.
Other names: short protein forms V67fs.
Identifiers: ClinVar variation 2500153 (VCV002500153.1), dbSNP rs2468036567, ClinGen allele CA2580064474.

ClinVar aggregate classification (germline): Pathogenic (1 of 4 stars; one submission).

Conditions:
Bardet-Biedl syndrome (BBS). Identifiers: Orphanet 110, MedGen C0752166, MONDO:0015229.

Submission:

SN ONGC Dept of Genetics and Molecular biology Vision Research Foundation
Classification: Pathogenic for Bardet-Biedl syndrome. Review status: criteria provided, single submitter. Criteria: ACMG Guidelines, 2015. Collection method: research. Allele origin: biparental. Affected: yes. Observed: 1 heterozygote.
Comment: This variant was observed in digenic inheritance with the variant NC_000001.10:g.5965427G>A.